The following is an entry in ClinVar:

ClinVar aggregate classification (germline): Uncertain significance. Review status: criteria provided, multiple submitters, no conflicts (2 of 4 stars). 4 submissions from 4 submitters: Uncertain significance (4). Last evaluated 2025-12-16.

Conditions:
Inborn genetic diseases. Identifiers: MedGen C0950123, MeSH D030342.

Allele frequency attached by ClinVar (database versions not stated): gnomAD exomes 0.00003 and 0.00007; ExAC 0.00011; 1000 Genomes Project 30x 0.00016; 1000 Genomes Project 0.00020; gnomAD 0.00036; ESP Exome Variant Server 0.00038.
gnomAD v4.1: 87 of 1,614,226 alleles (0.0054%); highest among the groups gnomAD compares: African/African-American, 0.11%; 1 homozygote.

Submissions (4):

GeneDx
Classification: Uncertain significance. Last evaluated: 2025-12-16. Review status: criteria provided, single submitter. Criteria: GeneDx Variant Classification Process June 2021. Collection method: clinical testing. Allele origin: germline. Affected: yes.
Comment: In silico analysis suggests that this missense variant does not alter protein structure/function; Has not been previously published as pathogenic or benign to our knowledge

Ambry Genetics
Classification: Uncertain significance for Inborn genetic diseases. Last evaluated: 2024-10-25. Review status: criteria provided, single submitter. Criteria: Ambry Variant Classification Scheme 2023. Collection method: clinical testing. Allele origin: germline.

Labcorp Genetics (formerly Invitae), Labcorp
Classification: Uncertain significance. Last evaluated: 2022-04-11. Review status: criteria provided, single submitter. Criteria: Invitae Variant Classification Sherloc (09022015). Collection method: clinical testing. Allele origin: germline.
Comment: This sequence change replaces phenylalanine, which is neutral and non-polar, with leucine, which is neutral and non-polar, at codon 13 of the TMPRSS3 protein (p.Phe13Leu). This variant is present in population databases (rs150765531, gnomAD 0.1%). This variant has not been reported in the literature in individuals affected with TMPRSS3-related conditions. Algorithms developed to predict the effect of missense changes on protein structure and function are either unavailable or do not agree on the potential impact of this missense change (SIFT: "Deleterious"; PolyPhen-2: "Probably Damaging"; Align-GVGD: "Class C15"). In summary, the available evidence is currently insufficient to determine the role of this variant in disease. Therefore, it has been classified as a Variant of Uncertain Significance.

Blueprint Genetics
Classification: Uncertain significance. Last evaluated: 2018-08-24. Review status: criteria provided, single submitter. Criteria: ACMG Guidelines, 2015. Collection method: clinical testing. Allele origin: germline.

NM_001256317.3(TMPRSS3):c.39C>G (p.Phe13Leu)

Gene: TMPRSS3 (transmembrane serine protease 3; minus strand). Cytogenetic location: 21q22.3.
Variant type: single nucleotide variant.
Coding change: c.39C>G on transcript NM_001256317.3 (MANE Select); coding-DNA position 39, C replaced by G.
Protein change: p.Phe13Leu; replaces phenylalanine 13 with leucine.
Molecular consequence: missense variant.
Genome position (GRCh38, 1-based): chr21:42,395,379, G>C on the plus strand (C>G on the coding strand, the complement: TMPRSS3 is on the minus strand). VCF-style: chr21-42395379-G-C. GRCh37 (hg19) VCF-style: chr21-43815488-G-C.
Other names: c.39C>G, p.Phe13Leu (NM_024022.4, NM_032405.2); short protein forms F13L.
Identifiers: ClinVar variation 1687656 (VCV001687656.6), dbSNP rs150765531, ClinGen allele CA10042778.
Genomic context (GRCh38, chr21:42,395,379, plus strand): 5'-CTTACCTGGTGCAACAGGACTTATTTTCAAATCATCAAGGCCAAAAAGCGATCGGAATGA[G>C]AAGGGGGCTTCAACAGCAGGCGGATCATTTTCCCCCATGGTGACTATTTCAGGACCTCTG-3'
Protein context (NP_001243246.1, residues 3-23): ENDPPAVEAP[Phe13Leu]SFRSLFGLDD